The following is an entry in ClinVar:

ClinVar aggregate classification (germline): Uncertain significance (1 of 4 stars; one submission).

Conditions:
Hereditary breast ovarian cancer syndrome. Also called: Hereditary breast and ovarian cancer syndrome; Hereditary breast and/or ovarian cancer syndrome; BRCA1- and BRCA2-Associated Hereditary Breast and Ovarian Cancer; Hereditary breast and ovarian cancer; Breast and ovarian cancer; Hereditary breast and ovarian cancer syndrome (HBOC). Identifiers: Orphanet 145, MedGen C0677776, MeSH D061325, MONDO:0003582. Disease mechanism: loss of function.

Submission:

Labcorp Genetics (formerly Invitae), Labcorp
Classification: Uncertain significance for Hereditary breast ovarian cancer syndrome. Last evaluated: 2023-09-29. Review status: criteria provided, single submitter. Criteria: Invitae Variant Classification Sherloc (09022015). Collection method: clinical testing. Allele origin: germline.
Comment: This variant has not been reported in the literature in individuals affected with BRCA2-related conditions. This variant is not present in population databases (gnomAD no frequency). This sequence change replaces glutamine, which is neutral and polar, with histidine, which is basic and polar, at codon 2870 of the BRCA2 protein (p.Gln2870His). Advanced modeling of protein sequence and biophysical properties (such as structural, functional, and spatial information, amino acid conservation, physicochemical variation, residue mobility, and thermodynamic stability) performed at Invitae indicates that this missense variant is not expected to disrupt BRCA2 protein function. In summary, the available evidence is currently insufficient to determine the role of this variant in disease. Therefore, it has been classified as a Variant of Uncertain Significance.

NM_000059.4(BRCA2):c.8610G>C (p.Gln2870His)

Gene: BRCA2 (BRCA2 DNA repair associated; plus strand). Cytogenetic location: 13q13.1.
Variant type: single nucleotide variant.
Coding change: c.8610G>C on transcript NM_000059.4 (MANE Select); coding-DNA position 8610, G replaced by C.
Protein change: p.Gln2870His; replaces glutamine 2870 with histidine.
Molecular consequence: missense variant. On other transcripts: non-coding transcript variant (1).
Genome position (GRCh38, 1-based): chr13:32,371,078, G>C. VCF-style: chr13-32371078-G-C. GRCh37 (hg19) VCF-style: chr13-32945215-G-C.
Other names: c.8514G>C, p.Gln2838His (NM_001406719.1); c.8610G>C, p.Gln2870His (NM_001406720.1); c.3678G>C, p.Gln1226His (NM_001406721.1); c.2193G>C, p.Gln731His (NM_001406722.1); short protein forms Q2838H, Q2870H, Q1226H, Q731H.
Identifiers: ClinVar variation 2763855 (VCV002763855.3), dbSNP rs1317866079, ClinGen allele CA387752921.